The following is an entry in ClinVar:

ClinVar aggregate classification (germline): Likely benign. Review status: criteria provided, multiple submitters, no conflicts (2 of 4 stars). 2 submissions from 2 submitters: Likely benign (2). Last evaluated 2024-01-01.

Allele frequency attached by ClinVar (database versions not stated): 1000 Genomes Project 30x 0.00016; gnomAD 0.00017; 1000 Genomes Project 0.00020; TOPMed 0.00026; ESP Exome Variant Server 0.00008; ExAC 0.00011; gnomAD exomes 0.00013.

Submissions (2):

CeGaT Center for Human Genetics Tuebingen
Classification: Likely benign. Last evaluated: 2024-01-01. Review status: criteria provided, single submitter. Criteria: CeGaT Center For Human Genetics Tuebingen Variant Classification Criteria Version 2. Collection method: clinical testing. Allele origin: germline. Affected: yes. Observed: 1 variant allele.
Comment: FZD9: BP4, BP7

Breakthrough Genomics
Classification: Likely benign. Review status: criteria provided, single submitter. Criteria: ACMG Guidelines, 2015. Collection method: not provided. Allele origin: germline. Inheritance: Unknown mechanism. Affected: yes.

NM_003508.3(FZD9):c.1668C>T (p.Arg556=)

Genes: FZD9 (frizzled class receptor 9; plus strand), LOC123956159 (Sharpr-MPRA regulatory region 10074; plus strand). Cytogenetic location: 7q11.23.
Variant type: single nucleotide variant.
Coding change: c.1668C>T on transcript NM_003508.3 (MANE Select); coding-DNA position 1668, C replaced by T.
Protein change: p.Arg556=; no amino-acid change (arginine 556 retained).
Molecular consequence: synonymous variant.
Genome position (GRCh38, 1-based): chr7:73,435,675, C>T. VCF-style: chr7-73435675-C-T. GRCh37 (hg19) VCF-style: chr7-72850005-C-T.
Identifiers: ClinVar variation 3025290 (VCV003025290.23), dbSNP rs372016463, ClinGen allele CA4287165.